The following is an entry in ClinVar:

ClinVar aggregate classification (germline): Uncertain significance. Review status: criteria provided, multiple submitters, no conflicts (2 of 4 stars). 2 submissions from 2 submitters: Uncertain significance (2). Last evaluated 2025-11-28.

Conditions:
Hereditary cancer-predisposing syndrome. Also called: Neoplastic Syndromes, Hereditary; Tumor predisposition; Hereditary Cancer Syndrome; Hereditary neoplastic syndrome. Identifiers: Orphanet 140162, MedGen C0027672, MeSH D009386, MONDO:0015356.
Familial cancer of breast. Also called: BREAST CANCER, FAMILIAL; Hereditary breast cancer; hereditary breast carcinoma. Identifiers: Orphanet 227535, MedGen C0346153, MONDO:0016419, OMIM 114480. Disease mechanism: loss of function.

Submissions (2):

Ambry Genetics
Classification: Uncertain significance for Hereditary cancer-predisposing syndrome. Last evaluated: 2025-11-28. Review status: criteria provided, single submitter. Criteria: Ambry Variant Classification Scheme 2023. Collection method: clinical testing. Allele origin: germline.
Comment: The p.F638Y variant (also known as c.1913T>A), located in coding exon 5 of the PALB2 gene, results from a T to A substitution at nucleotide position 1913. The phenylalanine at codon 638 is replaced by tyrosine, an amino acid with highly similar properties. This amino acid position is conserved. In addition, this alteration is predicted to be tolerated by in silico analysis. Based on the available evidence, the clinical significance of this variant remains unclear.

Labcorp Genetics (formerly Invitae), Labcorp
Classification: Uncertain significance for Familial cancer of breast. Last evaluated: 2025-09-14. Review status: criteria provided, single submitter. Criteria: Invitae Variant Classification Sherloc (09022015). Collection method: clinical testing. Allele origin: germline.
Comment: This sequence change replaces phenylalanine, which is neutral and non-polar, with tyrosine, which is neutral and polar, at codon 638 of the PALB2 protein (p.Phe638Tyr). This variant is not present in population databases (gnomAD no frequency). This variant has not been reported in the literature in individuals affected with PALB2-related conditions. Invitae Evidence Modeling of protein sequence and biophysical properties (such as structural, functional, and spatial information, amino acid conservation, physicochemical variation, residue mobility, and thermodynamic stability) has been performed for this missense variant. However, the output from this modeling did not meet the statistical confidence thresholds required to predict the impact of this variant on PALB2 protein function. In summary, the available evidence is currently insufficient to determine the role of this variant in disease. Therefore, it has been classified as a Variant of Uncertain Significance.

NM_024675.4(PALB2):c.1913T>A (p.Phe638Tyr)

Gene: PALB2 (partner and localizer of BRCA2; minus strand). Cytogenetic location: 16p12.2.
Variant type: single nucleotide variant.
Coding change: c.1913T>A on transcript NM_024675.4 (MANE Select); coding-DNA position 1913, T replaced by A.
Protein change: p.Phe638Tyr; replaces phenylalanine 638 with tyrosine.
Molecular consequence: missense variant. On other transcripts: intron variant (1).
Genome position (GRCh38, 1-based): chr16:23,630,241, A>T on the plus strand (T>A on the coding strand, the complement: PALB2 is on the minus strand). VCF-style: chr16-23630241-A-T. GRCh37 (hg19) VCF-style: chr16-23641562-A-T.
Other names: c.1853T>A, p.Phe618Tyr (NM_001407296.1); c.1913T>A, p.Phe638Tyr (NM_001407297.1, NM_001407298.1, NM_001407299.1 and 3 more transcripts); c.1028T>A, p.Phe343Tyr (NM_001407304.1, NM_001407305.1, NM_001407306.1 and 5 more transcripts); c.125T>A, p.Phe42Tyr (NM_001407312.1, NM_001407313.1); c.49-966T>A (NM_001407314.1); short protein forms F343Y, F618Y, F42Y, F638Y.
Identifiers: ClinVar variation 4664185 (VCV004664185.2).